The following is an entry in ClinVar:

ClinVar aggregate classification (germline): Uncertain significance (1 of 4 stars; one submission).

Conditions:
MAPK8IP3-related disorder. Also called: MAPK8IP3-related condition.

Allele frequency attached by ClinVar (database versions not stated): gnomAD exomes below 0.00001.
gnomAD v4.1: 4 of 1,611,776 alleles (0.00025%); highest among the groups gnomAD compares: Non-Finnish European, 0.00034%; no homozygotes.

Submission:

PreventionGenetics, part of Exact Sciences
Classification: Uncertain significance for MAPK8IP3-related condition. Last evaluated: 2022-11-16. Review status: criteria provided, single submitter. Criteria: ACMG Guidelines, 2015. Collection method: clinical testing. Allele origin: germline.
Comment: The MAPK8IP3 c.2459G>A variant is predicted to result in the amino acid substitution p.Ser820Asn. To our knowledge, this variant has not been reported in the literature or in a large population database, indicating this variant is rare. At this time, the clinical significance of this variant is uncertain due to the absence of conclusive functional and genetic evidence.

NM_001318852.2(MAPK8IP3):c.2459G>A (p.Ser820Asn)

Gene: MAPK8IP3 (mitogen-activated protein kinase 8 interacting protein 3; plus strand). Cytogenetic location: 16p13.3.
Variant type: single nucleotide variant.
Coding change: c.2459G>A on transcript NM_001318852.2 (MANE Select); coding-DNA position 2459, G replaced by A.
Protein change: p.Ser820Asn; replaces serine 820 with asparagine.
Molecular consequence: missense variant.
Genome position (GRCh38, 1-based): chr16:1,765,972, G>A. VCF-style: chr16-1765972-G-A. GRCh37 (hg19) VCF-style: chr16-1815973-G-A.
Other names: c.2438G>A, p.Ser813Asn (NM_001040439.2); c.2456G>A, p.Ser819Asn (NM_015133.5, NM_033392.3); short protein forms S813N, S819N, S820N.
Identifiers: ClinVar variation 2635346 (VCV002635346.1), dbSNP rs2548108723, ClinGen allele CA394235256.